The following is an entry in ClinVar:

ClinVar aggregate classification (germline): Benign/Likely benign. Review status: criteria provided, multiple submitters, no conflicts (2 of 4 stars). 4 submissions from 4 submitters: Benign (1); Likely benign (3). Last evaluated 2025-08-07.

Conditions:
Familial cancer of breast. Also called: BREAST CANCER, FAMILIAL; hereditary breast carcinoma; Hereditary breast cancer. Identifiers: Orphanet 227535, MedGen C0346153, MONDO:0016419, OMIM 114480. Disease mechanism: loss of function.
Hereditary cancer-predisposing syndrome. Also called: Neoplastic Syndromes, Hereditary; Tumor predisposition; Hereditary Cancer Syndrome; Hereditary neoplastic syndrome. Identifiers: Orphanet 140162, MedGen C0027672, MeSH D009386, MONDO:0015356.

Allele frequency attached by ClinVar (database versions not stated): gnomAD exomes below 0.00001; ExAC 0.00001.
gnomAD v4.1: 4 of 1,614,096 alleles (0.00025%); highest among the groups gnomAD compares: Non-Finnish European, 0.00034%; no homozygotes.

Submissions (4):

Labcorp Genetics (formerly Invitae), Labcorp
Classification: Likely benign for Familial cancer of breast. Last evaluated: 2025-08-07. Review status: criteria provided, single submitter. Criteria: Invitae Variant Classification Sherloc (09022015). Collection method: clinical testing. Allele origin: germline.

Quest Diagnostics Nichols Institute San Juan Capistrano
Classification: Likely benign. Last evaluated: 2024-12-06. Review status: criteria provided, single submitter. Criteria: Quest Diagnostics criteria. Collection method: clinical testing. Allele origin: unknown.

Myriad Genetics, Inc.
Classification: Benign for Familial cancer of breast. Last evaluated: 2024-07-24. Review status: criteria provided, single submitter. Criteria: Myriad Autosomal Dominant, Autosomal Recessive and X-Linked Classification Criteria (2023). Collection method: clinical testing. Allele origin: unknown.
Comment: This variant is considered benign. This variant is a silent/synonymous amino acid change and it is not expected to impact splicing.

Ambry Genetics
Classification: Likely benign for Hereditary cancer-predisposing syndrome. Last evaluated: 2015-03-09. Review status: criteria provided, single submitter. Criteria: Ambry Variant Classification Scheme 2023. Collection method: clinical testing. Allele origin: germline.

NM_000465.4(BARD1):c.1056G>A (p.Val352=)

Gene: BARD1 (BRCA1 associated RING domain 1; minus strand). Cytogenetic location: 2q35.
Variant type: single nucleotide variant.
Coding change: c.1056G>A on transcript NM_000465.4 (MANE Select); coding-DNA position 1056, G replaced by A.
Protein change: p.Val352=; no amino-acid change (valine 352 retained).
Molecular consequence: synonymous variant. On other transcripts: non-coding transcript variant (2), intron variant (3).
Genome position (GRCh38, 1-based): chr2:214,780,818, C>T on the plus strand (G>A on the coding strand, the complement: BARD1 is on the minus strand). VCF-style: chr2-214780818-C-T. GRCh37 (hg19) VCF-style: chr2-215645542-C-T.
Other names: c.999G>A, p.Val333= (NM_001282543.2); c.159-28263G>A (NM_001282548.2); c.215+16243G>A (NM_001282545.2); c.364+11479G>A (NM_001282549.2).
Identifiers: ClinVar variation 230757 (VCV000230757.16), dbSNP rs768469265, ClinGen allele CA2090343.
Genomic context (GRCh38, chr2:214,780,818, plus strand): 5'-AACTTTACGTTTGCATGAAGGTGGTGAAGAACATTCAGGCAATGGTATATTTTCTGAGGG[C>T]ACCGTTTGCTTAACAAAATCTCCACTGGTGCTCAGAATGCTGGTTCTACATCTCTTAGAA-3'
Protein context (NP_000456.2, residues 342-362): STSGDFVKQT[Val352=]PSENIPLPEC